The following is an entry in ClinVar:

ClinVar aggregate classification (germline): Uncertain significance. Review status: criteria provided, multiple submitters, no conflicts (2 of 4 stars). 4 submissions from 4 submitters: Uncertain significance (4). Last evaluated 2025-12-11.

Conditions:
Inborn genetic diseases. Identifiers: MedGen C0950123, MeSH D030342.

Allele frequency attached by ClinVar (database versions not stated): gnomAD exomes 0.00008; gnomAD 0.00010 and 0.00011; ExAC 0.00012.

Submissions (4):

Ambry Genetics
Classification: Uncertain significance for Inborn genetic diseases. Last evaluated: 2025-12-11. Review status: criteria provided, single submitter. Criteria: Ambry Variant Classification Scheme 2023. Collection method: clinical testing. Allele origin: germline.

Blueprint Genetics
Classification: Uncertain significance. Last evaluated: 2024-10-02. Review status: criteria provided, single submitter. Criteria: ACMG Guidelines, 2015. Collection method: clinical testing. Allele origin: germline.

Labcorp Genetics (formerly Invitae), Labcorp
Classification: Uncertain significance. Last evaluated: 2023-10-13. Review status: criteria provided, single submitter. Criteria: Invitae Variant Classification Sherloc (09022015). Collection method: clinical testing. Allele origin: germline.
Comment: This sequence change replaces glutamine, which is neutral and polar, with histidine, which is basic and polar, at codon 262 of the PIGV protein (p.Gln262His). This variant is present in population databases (rs769687257, gnomAD 0.02%). This variant has not been reported in the literature in individuals affected with PIGV-related conditions. ClinVar contains an entry for this variant (Variation ID: 1209172). Advanced modeling of protein sequence and biophysical properties (such as structural, functional, and spatial information, amino acid conservation, physicochemical variation, residue mobility, and thermodynamic stability) performed at Invitae indicates that this missense variant is not expected to disrupt PIGV protein function. In summary, the available evidence is currently insufficient to determine the role of this variant in disease. Therefore, it has been classified as a Variant of Uncertain Significance.

GeneDx
Classification: Uncertain significance. Last evaluated: 2020-02-14. Review status: criteria provided, single submitter. Criteria: GeneDx Variant Classification Process June 2021. Collection method: clinical testing. Allele origin: germline. Affected: yes.
Comment: In silico analysis supports that this missense variant does not alter protein structure/function; Has not been previously published as pathogenic or benign to our knowledge

NM_017837.4(PIGV):c.786A>T (p.Gln262His)

Gene: PIGV (phosphatidylinositol glycan anchor biosynthesis class V; plus strand). Cytogenetic location: 1p36.11.
Variant type: single nucleotide variant.
Coding change: c.786A>T on transcript NM_017837.4 (MANE Select); coding-DNA position 786, A replaced by T.
Protein change: p.Gln262His; replaces glutamine 262 with histidine.
Molecular consequence: missense variant. On other transcripts: non-coding transcript variant (1), intron variant (3).
Genome position (GRCh38, 1-based): chr1:26,794,820, A>T. VCF-style: chr1-26794820-A-T. GRCh37 (hg19) VCF-style: chr1-27121311-A-T.
Other names: c.786A>T, p.Gln262His (NM_001202554.2, NM_001374478.1, NM_001374480.1 and 2 more transcripts); c.405A>T, p.Gln135His (NM_001374483.1); c.173-14A>T (NM_001374484.1, NM_001374485.1); c.79-2743A>T (NM_001374486.1); short protein forms Q135H, Q262H.
Identifiers: ClinVar variation 1209172 (VCV001209172.12), dbSNP rs769687257, ClinGen allele CA708116.